The following is an entry in ClinVar:

NM_000110.4(DPYD):c.4G>A (p.Ala2Thr)

Genes: DPYD (dihydropyrimidine dehydrogenase; minus strand), LOC129930998 (ATAC-STARR-seq lymphoblastoid silent region 1109; plus strand). Cytogenetic location: 1p21.3.
Variant type: single nucleotide variant.
Coding change: c.4G>A on transcript NM_000110.4 (MANE Select); coding-DNA position 4, G replaced by A.
Protein change: p.Ala2Thr; replaces alanine 2 with threonine.
Molecular consequence: missense variant.
Genome position (GRCh38, 1-based): chr1:97,920,919, C>T on the plus strand (G>A on the coding strand, the complement: DPYD is on the minus strand). VCF-style: chr1-97920919-C-T. GRCh37 (hg19) VCF-style: chr1-98386475-C-T.
Other names: c.4G>A, p.Ala2Thr (NM_001160301.1); short protein forms A2T.
Identifiers: ClinVar variation 4071713 (VCV004071713.1).

ClinVar aggregate classification (germline): Uncertain significance (1 of 4 stars; one submission).

gnomAD v4.1: 1 of 1,589,662 alleles (0.000063%); highest among the groups gnomAD compares: Non-Finnish European, 0.000086%; no homozygotes.

Submission:

GeneDx
Classification: Uncertain significance. Last evaluated: 2025-01-22. Review status: criteria provided, single submitter. Criteria: GeneDx Variant Classification Process June 2021. Collection method: clinical testing. Allele origin: germline. Affected: yes.
Comment: Not observed at significant frequency in large population cohorts (gnomAD); In silico analysis indicates that this missense variant does not alter protein structure/function; Has not been previously published as pathogenic or benign to our knowledge